The following is an entry in ClinVar:

NM_172107.4(KCNQ2):c.1559A>G (p.Asp520Gly)

Gene: KCNQ2 (potassium voltage-gated channel subfamily Q member 2; minus strand). Cytogenetic location: 20q13.33.
Variant type: single nucleotide variant.
Coding change: c.1559A>G on transcript NM_172107.4 (MANE Select); coding-DNA position 1559, A replaced by G.
Protein change: p.Asp520Gly; replaces aspartic acid 520 with glycine.
Molecular consequence: missense variant.
Genome position (GRCh38, 1-based): chr20:63,414,160, T>C on the plus strand (A>G on the coding strand, the complement: KCNQ2 is on the minus strand). VCF-style: chr20-63414160-T-C. GRCh37 (hg19) VCF-style: chr20-62045513-T-C.
Other names: c.1505A>G, p.Asp502Gly (NM_001382235.1, NM_172106.3); c.1475A>G, p.Asp492Gly (NM_004518.6); c.1466A>G, p.Asp489Gly (NM_172108.5); short protein forms D489G, D492G, D502G, D520G.
Identifiers: ClinVar variation 1878612 (VCV001878612.13), dbSNP rs748298686, ClinGen allele CA9958405.

ClinVar aggregate classification (germline): Uncertain significance. Review status: criteria provided, multiple submitters, no conflicts (2 of 4 stars). 5 submissions from 5 submitters: Uncertain significance (5). Last evaluated 2025-10-01.

Conditions:
Early-infantile DEE. Also called: Early infantile epileptic encephalopathy with suppression bursts; Ohtahara syndrome; Early infantile epileptic encephalopathy. Identifiers: Orphanet 1934, MedGen C0393706, MONDO:0800491.
Seizures, benign familial neonatal, 1. Also called: Seizures, benign neonatal, 1; Benign Neonatal Epilepsy 1; KCNQ2-Related Self-Limited Familial Neonatal Epilepsy (SLFNE); KCNQ2-Related Benign Familial Neonatal Epilepsy. Identifiers: Orphanet 1949, MedGen C3149074, MONDO:0007365, OMIM 121200.
Developmental and epileptic encephalopathy, 7 (DEE7). Also called: Early infantile epileptic encephalopathy 7; KCNQ2-Related Neonatal-Onset Developmental and Epileptic Encephalopathy (NEO-DEE); KCNQ2-Related Neonatal Epileptic Encephalopathy. Identifiers: Orphanet 439218, MedGen C3150986, MONDO:0013387, OMIM 613720.

Allele frequency attached by ClinVar (database versions not stated): ExAC 0.00001; gnomAD 0.00001; gnomAD exomes 0.00001.
gnomAD v4.1: 12 of 1,613,558 alleles (0.00074%); highest among the groups gnomAD compares: Middle Eastern, 0.016%; no homozygotes.

Submissions (5):

CeGaT Center for Human Genetics Tuebingen
Classification: Uncertain significance. Last evaluated: 2025-10-01. Review status: criteria provided, single submitter. Criteria: CeGaT Center For Human Genetics Tuebingen Variant Classification Criteria Version 2. Collection method: clinical testing. Allele origin: germline. Affected: yes. Observed: 1 variant allele.

Labcorp Genetics (formerly Invitae), Labcorp
Classification: Uncertain significance for Early-infantile DEE. Last evaluated: 2024-04-22. Review status: criteria provided, single submitter. Criteria: Invitae Variant Classification Sherloc (09022015). Collection method: clinical testing. Allele origin: germline.
Comment: This sequence change replaces aspartic acid, which is acidic and polar, with glycine, which is neutral and non-polar, at codon 520 of the KCNQ2 protein (p.Asp520Gly). This variant is present in population databases (rs748298686, gnomAD 0.006%). This variant has not been reported in the literature in individuals affected with KCNQ2-related conditions. ClinVar contains an entry for this variant (Variation ID: 1878612). Advanced modeling of protein sequence and biophysical properties (such as structural, functional, and spatial information, amino acid conservation, physicochemical variation, residue mobility, and thermodynamic stability) performed at Invitae indicates that this missense variant is expected to disrupt KCNQ2 protein function with a positive predictive value of 95%. In summary, the available evidence is currently insufficient to determine the role of this variant in disease. Therefore, it has been classified as a Variant of Uncertain Significance.

Revvity Omics, Revvity
Classification: Uncertain significance. Last evaluated: 2023-04-18. Review status: criteria provided, single submitter. Criteria: ACMG Guidelines, 2015. Collection method: clinical testing. Allele origin: germline.

Department of Pathology and Laboratory Medicine, Sinai Health System
Classification: Uncertain significance for Seizures, benign familial neonatal, 1; Developmental and epileptic encephalopathy, 7. Last evaluated: 2020-08-18. Review status: criteria provided, single submitter. Criteria: ACMG Guidelines, 2015. Collection method: research. Allele origin: germline.

Neuberg Centre For Genomic Medicine, NCGM
Classification: Uncertain significance for Developmental and epileptic encephalopathy, 7. Review status: criteria provided, single submitter. Criteria: ACMG Guidelines, 2015. Collection method: clinical testing. Allele origin: germline. Affected: yes.
Comment: The missense variant c.1559A>G (p.Asp520Gly) in KCNQ2 gene has not been reported previously as a pathogenic variant nor as a benign variant, to our knowledge. The p.Asp520Gly variant is reported with the allele frequency (0.001%) in the gnomAD Exomes and is novel (not in any individuals) in 1000 Genomes. The amino acid Asp at position 520 is changed to a Gly changing protein sequence and it might alter its composition and physico-chemical properties. The variant is predicted to be damaging by SIFT and the residue is conserved across species. The amino acid change p.Asp520Gly in KCNQ2 is predicted as conserved by GERP++ and PhyloP across 100 vertebrates. For these reasons, this variant has been classified as Variant of Uncertain Significance (VUS)